The following is an entry in ClinVar:

ClinVar aggregate classification (germline): Benign/Likely benign. Review status: criteria provided, multiple submitters, no conflicts (2 of 4 stars). 2 submissions from 2 submitters: Benign (1); Likely benign (1). Last evaluated 2024-12-19.

Conditions:
Jeune thoracic dystrophy. Also called: Short-rib thoracic dysplasia; Jeune syndrome; Infantile thoracic dystrophy; Thoracic pelvic phalangeal dystrophy; Jeune's syndrome; Chondroectodermal dysplasia-like syndrome. Identifiers: Orphanet 474, MedGen C0265275, MONDO:0018770.

Submissions (2):

Women's Health and Genetics/Laboratory Corporation of America, LabCorp
Classification: Likely benign. Last evaluated: 2024-12-19. Review status: criteria provided, single submitter. Criteria: LabCorp Variant Classification Summary - May 2015. Collection method: clinical testing. Allele origin: germline.
Comment: Variant summary: DYNC2H1 c.10716+20delT alters a nucleotide located at a position not widely known to affect splicing. Consensus agreement among computation tools predict no significant impact on normal splicing. However, these predictions have yet to be confirmed by functional studies. The variant was absent in 144254 control chromosomes (gnomAD). To our knowledge, no occurrence of c.10716+20delT in individuals affected with Short-rib thoracic dysplasia and no experimental evidence demonstrating its impact on protein function have been reported. ClinVar contains an entry for this variant (Variation ID: 2573453). Based on the evidence outlined above, the variant was classified as likely benign.

Labcorp Genetics (formerly Invitae), Labcorp
Classification: Benign for Jeune thoracic dystrophy. Last evaluated: 2023-04-14. Review status: criteria provided, single submitter. Criteria: Invitae Variant Classification Sherloc (09022015). Collection method: clinical testing. Allele origin: germline.

NM_001377.3(DYNC2H1):c.10695+20del

Gene: DYNC2H1 (dynein cytoplasmic 2 heavy chain 1; plus strand). Cytogenetic location: 11q22.3.
Variant type: Deletion.
Coding change: c.10695+20del on transcript NM_001377.3 (MANE Select); 20 bases into the intron after coding-DNA position 10695, one base deleted (T; older notation c.10695+20delT).
Molecular consequence: intron variant.
Genome position (GRCh38, 1-based): chr11:103,259,997, T deleted; the last of 5 consecutive T bases (chr11:103,259,993-103,259,997); deleting any one gives the same sequence. VCF-style (leftmost placement, unchanged base first): chr11-103259992-AT-A. GRCh37 (hg19) VCF-style: chr11-103130721-AT-A.
Other names: c.10716+20del (NM_001080463.2); c.10716+20delT (NM_001080463.2).
Identifiers: ClinVar variation 2573453 (VCV002573453.5), dbSNP rs2496663632, ClinGen allele CA2580616413.
Genomic context (GRCh38, chr11:103,259,992, plus strand): 5'-ATTACAACATATGGTATATGAATATATATGTCGTTGTCTATTTAAGGTAAGAAGCATCAT[AT>A]TTTTCAAATATAAAATACTACTTGTTCTGTGATTTAACGTAATATTTATAGTTATAGTAT-3'